The following is an entry in ClinVar:

ClinVar aggregate classification (germline): Uncertain significance. Review status: criteria provided, multiple submitters, no conflicts (2 of 4 stars). 2 submissions from 2 submitters: Uncertain significance (2). Last evaluated 2025-04-04.

Conditions:
Inborn genetic diseases. Identifiers: MedGen C0950123, MeSH D030342.

Allele frequency attached by ClinVar (database versions not stated): TOPMed 0.00001; gnomAD exomes below 0.00001; gnomAD 0.00001.
gnomAD v4.1: 5 of 1,613,814 alleles (0.00031%); highest among the groups gnomAD compares: African/African-American, 0.0013%; no homozygotes.

Submissions (2):

Ambry Genetics
Classification: Uncertain significance for Inborn genetic diseases. Last evaluated: 2025-04-04. Review status: criteria provided, single submitter. Criteria: Ambry Variant Classification Scheme 2023. Collection method: clinical testing. Allele origin: germline.

Labcorp Genetics (formerly Invitae), Labcorp
Classification: Uncertain significance. Last evaluated: 2023-02-19. Review status: criteria provided, single submitter. Criteria: Invitae Variant Classification Sherloc (09022015). Collection method: clinical testing. Allele origin: germline.
Comment: In summary, the available evidence is currently insufficient to determine the role of this variant in disease. Therefore, it has been classified as a Variant of Uncertain Significance. Advanced modeling of protein sequence and biophysical properties (such as structural, functional, and spatial information, amino acid conservation, physicochemical variation, residue mobility, and thermodynamic stability) performed at Invitae indicates that this missense variant is not expected to disrupt PLD1 protein function. This variant has not been reported in the literature in individuals affected with PLD1-related conditions. This variant is not present in population databases (gnomAD no frequency). This sequence change replaces serine, which is neutral and polar, with threonine, which is neutral and polar, at codon 522 of the PLD1 protein (p.Ser522Thr).

NM_002662.5(PLD1):c.1564T>A (p.Ser522Thr)

Gene: PLD1 (phospholipase D1; minus strand). Cytogenetic location: 3q26.31.
Variant type: single nucleotide variant.
Coding change: c.1564T>A on transcript NM_002662.5 (MANE Select); coding-DNA position 1564, T replaced by A.
Protein change: p.Ser522Thr; replaces serine 522 with threonine.
Molecular consequence: missense variant.
Genome position (GRCh38, 1-based): chr3:171,687,560, A>T on the plus strand (T>A on the coding strand, the complement: PLD1 is on the minus strand). VCF-style: chr3-171687560-A-T. GRCh37 (hg19) VCF-style: chr3-171405350-A-T.
Other names: c.1564T>A, p.Ser522Thr (NM_001130081.3); short protein forms S522T.
Identifiers: ClinVar variation 2319803 (VCV002319803.6), dbSNP rs1382000337, ClinGen allele CA355499164.